The following is an entry in ClinVar:

ClinVar aggregate classification (germline): Uncertain significance (1 of 4 stars; one submission).

Conditions:
Early-infantile DEE. Also called: Ohtahara syndrome; Early infantile epileptic encephalopathy; Early infantile epileptic encephalopathy with suppression bursts. Identifiers: Orphanet 1934, MedGen C0393706, MONDO:0800491.

Submission:

Labcorp Genetics (formerly Invitae), Labcorp
Classification: Uncertain significance for Early-infantile DEE. Last evaluated: 2024-08-07. Review status: criteria provided, single submitter. Criteria: Invitae Variant Classification Sherloc (09022015). Collection method: clinical testing. Allele origin: germline.
Comment: This sequence change falls in intron 7 of the KCNH5 gene. It does not directly change the encoded amino acid sequence of the KCNH5 protein. It affects a nucleotide within the consensus splice site. This variant is not present in population databases (gnomAD no frequency). This variant has not been reported in the literature in individuals affected with KCNH5-related conditions. Variants that disrupt the consensus splice site are a relatively common cause of aberrant splicing (PMID: 17576681, 9536098). Algorithms developed to predict the effect of sequence changes on RNA splicing suggest that this variant may disrupt the consensus splice site. In summary, the available evidence is currently insufficient to determine the role of this variant in disease. Therefore, it has been classified as a Variant of Uncertain Significance.

Literature cited by the submitters: PubMed 17576681; PubMed 9536098.

NM_139318.5(KCNH5):c.1369+6T>A

Gene: KCNH5 (potassium voltage-gated channel subfamily H member 5; minus strand). Cytogenetic location: 14q23.2.
Variant type: single nucleotide variant.
Coding change: c.1369+6T>A on transcript NM_139318.5 (MANE Select); 6 bases into the intron after coding-DNA position 1369, T replaced by A.
Molecular consequence: intron variant.
Genome position (GRCh38, 1-based): chr14:62,950,127, A>T on the plus strand (T>A on the coding strand, the complement: KCNH5 is on the minus strand). VCF-style: chr14-62950127-A-T. GRCh37 (hg19) VCF-style: chr14-63416845-A-T.
Other names: c.1369+6T>A (NM_172375.3).
Identifiers: ClinVar variation 3661594 (VCV003661594.2).